The following is an entry in ClinVar:

ClinVar aggregate classification (germline): Uncertain significance. Review status: criteria provided, multiple submitters, no conflicts (2 of 4 stars). 3 submissions from 3 submitters: Uncertain significance (2). 1 of the submissions does not count toward it. Last evaluated 2024-07-17.

Conditions:
MHC class II deficiency. Also called: BLS, TYPE II; Bare lymphocyte syndrome 2. Identifiers: Orphanet 572, MedGen C5447452, MONDO:0008855.

Allele frequency attached by ClinVar (database versions not stated): TOPMed 0.00009; gnomAD 0.00011; gnomAD exomes 0.00011 and 0.00012; ESP Exome Variant Server 0.00015; ExAC 0.00016.
gnomAD v4.1: 185 of 1,614,006 alleles (0.011%); highest among the groups gnomAD compares: Non-Finnish European, 0.015%; no homozygotes.

Submissions (3):

Labcorp Genetics (formerly Invitae), Labcorp
Classification: Uncertain significance for MHC class II deficiency. Last evaluated: 2024-07-17. Review status: criteria provided, single submitter. Criteria: Invitae Variant Classification Sherloc (09022015). Collection method: clinical testing. Allele origin: germline.
Comment: This sequence change replaces glutamine, which is neutral and polar, with histidine, which is basic and polar, at codon 676 of the CIITA protein (p.Gln676His). This variant is present in population databases (rs112852440, gnomAD 0.02%). This variant has not been reported in the literature in individuals affected with CIITA-related conditions. ClinVar contains an entry for this variant (Variation ID: 648436). An algorithm developed to predict the effect of missense changes on protein structure and function (PolyPhen-2) suggests that this variant¬†is likely to be tolerated. In summary, the available evidence is currently insufficient to determine the role of this variant in disease. Therefore, it has been classified as a Variant of Uncertain Significance.

Blueprint Genetics
Classification: Uncertain significance. Last evaluated: 2023-09-08. Review status: criteria provided, single submitter. Criteria: ACMG Guidelines, 2015. Collection method: clinical testing. Allele origin: germline.

Natera, Inc.
Classification: Uncertain significance for Bare lymphocyte syndrome type II. Last evaluated: 2020-04-24. Review status: no assertion criteria provided. Collection method: clinical testing. Allele origin: germline. Not counted in ClinVar's aggregate classification.

NM_000246.4(CIITA):c.2028G>C (p.Gln676His)

Gene: CIITA (class II major histocompatibility complex transactivator; plus strand). Cytogenetic location: 16p13.13.
Variant type: single nucleotide variant.
Coding change: c.2028G>C on transcript NM_000246.4 (MANE Select); coding-DNA position 2028, G replaced by C.
Protein change: p.Gln676His; replaces glutamine 676 with histidine.
Molecular consequence: missense variant. On other transcripts: intron variant (1).
Genome position (GRCh38, 1-based): chr16:10,907,520, G>C. VCF-style: chr16-10907520-G-C. GRCh37 (hg19) VCF-style: chr16-11001377-G-C.
Other names: c.2031G>C, p.Gln677His (NM_001286402.1, NM_001379332.1); c.1884G>C, p.Gln628His (NM_001379330.1); c.1881G>C, p.Gln627His (NM_001379331.1); c.2028G>C, p.Gln676His (NM_001379333.1); c.1959G>C, p.Gln653His (NM_001379334.1); c.860-1463G>C (NM_001286403.2); short protein forms Q676H, Q677H, Q627H, Q628H, Q653H.
Identifiers: ClinVar variation 648436 (VCV000648436.7), dbSNP rs112852440, ClinGen allele CA7900274.
Genomic context (GRCh38, chr16:10,907,520, plus strand): 5'-CCTGGCAGAGCTGGCCAAGCTGGCCTGGGAGCTGGGCCGCAGACATCAAAGTACCCTACA[G>C]GAGGACCAGTTCCCATCCGCAGACGTGAGGACCTGGGCGATGGCCAAAGGCTTAGTCCAA-3'
Protein context (NP_000237.2, residues 666-686): ELGRRHQSTL[Gln676His]EDQFPSADVR